The following is an entry in ClinVar:

ClinVar aggregate classification (germline): Conflicting classifications of pathogenicity. Review status: criteria provided, conflicting classifications (1 of 4 stars). 2 submissions from 2 submitters: Uncertain significance (1); Likely benign (1). Last evaluated 2024-10-13.

Conditions:
Inborn genetic diseases. Identifiers: MedGen C0950123, MeSH D030342.
Hereditary spastic paraplegia 31. Also called: SPASTIC PARAPLEGIA 31, AUTOSOMAL DOMINANT. Identifiers: Orphanet 101011, MedGen C1853247, MONDO:0012453, OMIM 610250.

Allele frequency attached by ClinVar (database versions not stated): TOPMed below 0.00001; ExAC 0.00001; gnomAD 0.00001; gnomAD exomes 0.00001.
gnomAD v4.1: 9 of 1,609,634 alleles (0.00056%); highest among the groups gnomAD compares: Admixed American, 0.0017%; no homozygotes.

Submissions (2):

Labcorp Genetics (formerly Invitae), Labcorp
Classification: Likely benign for Hereditary spastic paraplegia 31. Last evaluated: 2024-10-13. Review status: criteria provided, single submitter. Criteria: Invitae Variant Classification Sherloc (09022015). Collection method: clinical testing. Allele origin: germline.

Ambry Genetics
Classification: Uncertain significance for Inborn genetic diseases. Last evaluated: 2021-09-16. Review status: criteria provided, single submitter. Criteria: Ambry Variant Classification Scheme 2023. Collection method: clinical testing. Allele origin: germline.
Comment: The c.106-6C>G intronic variant results from a C to G substitution 6 nucleotides upstream from coding exon 3 in the REEP1 gene. This nucleotide position is not well conserved in available vertebrate species. In silico splice site analysis predicts that this alteration will not have any significant effect on splicing. Since supporting evidence is limited at this time, the clinical significance of this alteration remains unclear.

NM_001371279.1(REEP1):c.106-6C>G

Gene: REEP1 (receptor accessory protein 1; minus strand). Cytogenetic location: 2p11.2.
Variant type: single nucleotide variant.
Coding change: c.106-6C>G on transcript NM_001371279.1 (MANE Select); 6 bases into the intron before coding-DNA position 106, C replaced by G.
Molecular consequence: intron variant.
Genome position (GRCh38, 1-based): chr2:86,264,047, G>C on the plus strand (C>G on the coding strand, the complement: REEP1 is on the minus strand). VCF-style: chr2-86264047-G-C. GRCh37 (hg19) VCF-style: chr2-86491170-G-C.
Other names: c.127-6C>G (NM_001164730.2); c.25-6C>G (NM_001164731.2); c.106-6C>G (NM_001164732.2, NM_001371280.1, NM_022912.3).
Identifiers: ClinVar variation 1419083 (VCV001419083.10), dbSNP rs751690452, ClinGen allele CA1748812.